The following is an entry in ClinVar:

ClinVar aggregate classification (germline): Uncertain significance (1 of 4 stars; one submission).

Submission:

Ambry Genetics
Classification: Uncertain significance. Last evaluated: 2026-06-08. Review status: criteria provided, single submitter. Criteria: Ambry Variant Classification Scheme 2023. Collection method: clinical testing. Allele origin: germline.
Comment: The p.L240V variant (also known as c.718C>G), located in coding exon 1 of the EGLN1 gene, results from a C to G substitution at nucleotide position 718. The leucine at codon 240 is replaced by valine, an amino acid with highly similar properties. This amino acid position is conserved. In addition, this alteration is predicted to be tolerated by in silico analysis. Based on the available evidence, the clinical significance of this variant remains unclear.

NM_022051.3(EGLN1):c.718C>G (p.Leu240Val)

Gene: EGLN1 (egl-9 family hypoxia inducible factor 1; minus strand). Cytogenetic location: 1q42.2.
Variant type: single nucleotide variant.
Coding change: c.718C>G on transcript NM_022051.3 (MANE Select); coding-DNA position 718, C replaced by G.
Protein change: p.Leu240Val; replaces leucine 240 with valine.
Molecular consequence: missense variant.
Genome position (GRCh38, 1-based): chr1:231,421,171, G>C on the plus strand (C>G on the coding strand, the complement: EGLN1 is on the minus strand). VCF-style: chr1-231421171-G-C. GRCh37 (hg19) VCF-style: chr1-231556917-G-C.
Other names: c.718C>G, p.Leu240Val (NM_001377260.1, NM_001377261.1); short protein forms L240V.
Identifiers: ClinVar variation 4870330 (VCV004870330.1).